The following is an entry in ClinVar:

ClinVar aggregate classification (germline): Pathogenic. Review status: criteria provided, multiple submitters, no conflicts (2 of 4 stars). 2 submissions from 2 submitters: Pathogenic (2). Last evaluated 2025-07-08.

Conditions:
Hereditary spastic paraplegia 4. Also called: Spastic Paraplegia 4; Familial spastic paraplegia autosomal dominant 2; Spastic paraplegia 4, autosomal dominant. Identifiers: Orphanet 100985, MedGen C1866855, MONDO:0008438, OMIM 182601.

Submissions (2):

Labcorp Genetics (formerly Invitae), Labcorp
Classification: Pathogenic for Hereditary spastic paraplegia 4. Last evaluated: 2025-07-08. Review status: criteria provided, single submitter. Criteria: Invitae Variant Classification Sherloc (09022015). Collection method: clinical testing. Allele origin: germline.
Comment: This sequence change creates a premature translational stop signal (p.Ser261*) in the SPAST gene. It is expected to result in an absent or disrupted protein product. Loss-of-function variants in SPAST are known to be pathogenic (PMID: 20932283). This variant is not present in population databases (gnomAD no frequency). This premature translational stop signal has been observed in individual(s) with hereditary spastic paraplegia (PMID: 10699187). ClinVar contains an entry for this variant (Variation ID: 448454). Algorithms developed to predict the effect of sequence changes on RNA splicing suggest that this variant may disrupt the consensus splice site. For these reasons, this variant has been classified as Pathogenic.

Athena Diagnostics
Classification: Pathogenic. Last evaluated: 2017-02-22. Review status: criteria provided, single submitter. Criteria: Athena Diagnostics Criteria. Collection method: clinical testing. Allele origin: germline.

Literature cited by the submitters: PubMed 20932283 (cited by Labcorp Genetics (formerly Invitae), Labcorp); PubMed 10699187 (cited by Labcorp Genetics (formerly Invitae), Labcorp and Athena Diagnostics).

NM_014946.4(SPAST):c.782C>A (p.Ser261Ter)

Gene: SPAST (spastin; plus strand). Cytogenetic location: 2p22.3.
Variant type: single nucleotide variant.
Coding change: c.782C>A on transcript NM_014946.4 (MANE Select); coding-DNA position 782, C replaced by A.
Protein change: p.Ser261Ter; replaces serine 261 with a stop codon.
Molecular consequence: nonsense.
Genome position (GRCh38, 1-based): chr2:32,114,737, C>A. VCF-style: chr2-32114737-C-A. GRCh37 (hg19) VCF-style: chr2-32339806-C-A.
Other names: c.779C>A, p.Ser260Ter (NM_001363823.2); c.683C>A, p.Ser228Ter (NM_001363875.2); c.686C>A, p.Ser229Ter (NM_001377959.1, NM_199436.2); short protein forms S261*, S229*, S260*, S228*.
Identifiers: ClinVar variation 448454 (VCV000448454.4), dbSNP rs768241184, ClinGen allele CA346498584.